The following is an entry in ClinVar:

NM_004281.4(BAG3):c.1409C>T (p.Pro470Leu)

Gene: BAG3 (BAG cochaperone 3; plus strand). Cytogenetic location: 10q26.11.
Variant type: single nucleotide variant.
Coding change: c.1409C>T on transcript NM_004281.4 (MANE Select); coding-DNA position 1409, C replaced by T.
Protein change: p.Pro470Leu; replaces proline 470 with leucine.
Molecular consequence: missense variant.
Genome position (GRCh38, 1-based): chr10:119,676,963, C>T. VCF-style: chr10-119676963-C-T. GRCh37 (hg19) VCF-style: chr10-121436475-C-T.
Other names: short protein forms P470L.
Identifiers: ClinVar variation 1484344 (VCV001484344.8), dbSNP rs779539475, ClinGen allele CA378297264.
Genomic context (GRCh38, chr10:119,676,963, plus strand): 5'-AGTACCTGATGATCGAAGAGTATTTGACCAAAGAGCTGCTGGCCCTGGATTCAGTGGACC[C>T]CGAGGGACGAGCCGATGTGCGTCAGGCCAGGAGAGACGGTGTCAGGAAGGTTCAGACCAT-3'
Protein context (NP_004272.2, residues 460-480): KELLALDSVD[Pro470Leu]EGRADVRQAR

ClinVar aggregate classification (germline): Uncertain significance (1 of 4 stars; one submission).

Conditions:
Dilated cardiomyopathy 1HH (CMD1HH). Identifiers: Orphanet 154, MedGen C3151293, MONDO:0013479, OMIM 613881.
Myofibrillar myopathy 6. Identifiers: Orphanet 199340, MedGen C2751831, MONDO:0013061, OMIM 612954.

Submission:

Labcorp Genetics (formerly Invitae), Labcorp
Classification: Uncertain significance for Dilated cardiomyopathy 1HH; Myofibrillar myopathy 6. Last evaluated: 2021-02-11. Review status: criteria provided, single submitter. Criteria: Invitae Variant Classification Sherloc (09022015). Collection method: clinical testing. Allele origin: germline.
Comment: Algorithms developed to predict the effect of missense changes on protein structure and function are either unavailable or do not agree on the potential impact of this missense change (SIFT: "Deleterious"; PolyPhen-2: "Not Available"; Align-GVGD: "Class C25"). This variant has not been reported in the literature in individuals with BAG3-related conditions. This variant is not present in population databases (ExAC no frequency). This sequence change replaces proline with leucine at codon 470 of the BAG3 protein (p.Pro470Leu). The proline residue is highly conserved and there is a moderate physicochemical difference between proline and leucine. This variant disrupts the p.Pro470 amino acid residue in BAG3. Other variant(s) that disrupt this residue have been determined to be pathogenic (PMID: 30559338). This suggests that this residue is clinically significant, and that variants that disrupt this residue are likely to be disease-causing. In summary, the available evidence is currently insufficient to determine the role of this variant in disease. Therefore, it has been classified as a Variant of Uncertain Significance.

Literature cited by the submitters: PubMed 30559338.